The following is an entry in ClinVar:

NM_000051.4(ATM):c.686T>C (p.Leu229Pro)

Gene: ATM (ATM serine/threonine kinase; plus strand). Cytogenetic location: 11q22.3.
Variant type: single nucleotide variant.
Coding change: c.686T>C on transcript NM_000051.4 (MANE Select); coding-DNA position 686, T replaced by C.
Protein change: p.Leu229Pro; replaces leucine 229 with proline.
Molecular consequence: missense variant.
Genome position (GRCh38, 1-based): chr11:108,244,811, T>C. VCF-style: chr11-108244811-T-C. GRCh37 (hg19) VCF-style: chr11-108115538-T-C.
Other names: c.686T>C, p.Leu229Pro (NM_001351834.2); short protein forms L229P.
Identifiers: ClinVar variation 826678 (VCV000826678.7), dbSNP rs1591503381, ClinGen allele CA382529049.
Genomic context (GRCh38, chr11:108,244,811, plus strand): 5'-CTGTTATACCCAGTTGAGCTTGTTTGTTTCTTCACAGACAAGAAAAGAGCTCTTCAGGTC[T>C]AAATCATATCTTAGCAGCTCTTACTATCTTCCTCAAGACTTTGGCTGTCAACTTTCGAAT-3'
Protein context (NP_000042.3, residues 219-239): CARQEKSSSG[Leu229Pro]NHILAALTIF

ClinVar aggregate classification (germline): Uncertain significance. Review status: criteria provided, multiple submitters, no conflicts (2 of 4 stars). 3 submissions from 3 submitters: Uncertain significance (3). Last evaluated 2021-08-02.

Conditions:
Hereditary breast ovarian cancer syndrome. Also called: Hereditary breast and ovarian cancer syndrome; Hereditary breast and ovarian cancer; Hereditary breast and ovarian cancer syndrome (HBOC); Breast and ovarian cancer; Hereditary breast and/or ovarian cancer syndrome; BRCA1- and BRCA2-Associated Hereditary Breast and Ovarian Cancer. Identifiers: Orphanet 145, MedGen C0677776, MeSH D061325, MONDO:0003582. Disease mechanism: loss of function.
Hereditary cancer-predisposing syndrome. Also called: Neoplastic Syndromes, Hereditary; Tumor predisposition; Hereditary neoplastic syndrome; Hereditary Cancer Syndrome. Identifiers: Orphanet 140162, MedGen C0027672, MeSH D009386, MONDO:0015356.

Submissions (3):

Quest Diagnostics Nichols Institute San Juan Capistrano
Classification: Uncertain significance. Last evaluated: 2021-08-02. Review status: criteria provided, single submitter. Criteria: Quest Diagnostics criteria. Collection method: clinical testing. Allele origin: unknown.

Cancer Genomics Group, Japanese Foundation For Cancer Research
Classification: Uncertain significance for Hereditary breast and ovarian cancer syndrome. Last evaluated: 2019-05-01. Review status: criteria provided, single submitter. Criteria: ACMG Guidelines, 2015. Collection method: research. Allele origin: germline. Affected: yes.

Ambry Genetics
Classification: Uncertain significance for Hereditary cancer-predisposing syndrome. Last evaluated: 2018-03-07. Review status: criteria provided, single submitter. Criteria: Ambry Variant Classification Scheme 2023. Collection method: clinical testing. Allele origin: germline.
Comment: The p.L229P variant (also known as c.686T>C), located in coding exon 6 of the ATM gene, results from a T to C substitution at nucleotide position 686. The leucine at codon 229 is replaced by proline, an amino acid with similar properties. This amino acid position is well conserved in available vertebrate species. In addition, the in silico prediction for this alteration is inconclusive. Since supporting evidence is limited at this time, the clinical significance of this alteration remains unclear.